The following is an entry in ClinVar:

NM_002471.4(MYH6):c.2969T>A (p.Ile990Asn)

Gene: MYH6 (myosin heavy chain 6; minus strand). Cytogenetic location: 14q11.2.
Variant type: single nucleotide variant.
Coding change: c.2969T>A on transcript NM_002471.4 (MANE Select); coding-DNA position 2969, T replaced by A.
Protein change: p.Ile990Asn; replaces isoleucine 990 with asparagine.
Molecular consequence: missense variant.
Genome position (GRCh38, 1-based): chr14:23,393,478, A>T on the plus strand (T>A on the coding strand, the complement: MYH6 is on the minus strand). VCF-style: chr14-23393478-A-T. GRCh37 (hg19) VCF-style: chr14-23862687-A-T.
Other names: short protein forms I990N.
Identifiers: ClinVar variation 519143 (VCV000519143.14), dbSNP rs766362714, ClinGen allele CA257786769.

ClinVar aggregate classification (germline): Uncertain significance. Review status: criteria provided, multiple submitters, no conflicts (2 of 4 stars). 3 submissions from 3 submitters: Uncertain significance (3). Last evaluated 2025-08-11.

Conditions:
Hypertrophic cardiomyopathy 14. Identifiers: MedGen C2750467, MONDO:0013197, OMIM 613251.
MYH6-related disorder. Also called: MYH6-related condition; MYH6-Related Disorders.
Cardiovascular phenotype. Identifiers: MedGen CN230736.

Allele frequency attached by ClinVar (database versions not stated): gnomAD exomes 0.00001 and 0.00006.
gnomAD v4.1: 84 of 1,614,024 alleles (0.0052%); highest among the groups gnomAD compares: Non-Finnish European, 0.0069%; no homozygotes.

Submissions (3):

Ambry Genetics
Classification: Uncertain significance for Cardiovascular phenotype. Last evaluated: 2025-08-11. Review status: criteria provided, single submitter. Criteria: Ambry Variant Classification Scheme 2023. Collection method: clinical testing. Allele origin: germline.

PreventionGenetics, part of Exact Sciences
Classification: Uncertain significance for MYH6-related condition. Last evaluated: 2025-04-28. Review status: criteria provided, single submitter. Criteria: ACMG Guidelines, 2015. Collection method: clinical testing. Allele origin: germline.
Comment: The MYH6 c.2969T>A variant is predicted to result in the amino acid substitution p.Ile990Asn. To our knowledge, this variant has not been reported in the literature. This variant is reported in 0.0026% of alleles in individuals of European (Non-Finnish) descent in gnomAD. At this time, the clinical significance of this variant is uncertain due to the absence of conclusive functional and genetic evidence.

Labcorp Genetics (formerly Invitae), Labcorp
Classification: Uncertain significance for Hypertrophic cardiomyopathy 14. Last evaluated: 2024-03-11. Review status: criteria provided, single submitter. Criteria: Invitae Variant Classification Sherloc (09022015). Collection method: clinical testing. Allele origin: germline.
Comment: This sequence change replaces isoleucine, which is neutral and non-polar, with asparagine, which is neutral and polar, at codon 990 of the MYH6 protein (p.Ile990Asn). This variant is present in population databases (rs766362714, gnomAD 0.003%). This variant has not been reported in the literature in individuals affected with MYH6-related conditions. ClinVar contains an entry for this variant (Variation ID: 519143). Advanced modeling of protein sequence and biophysical properties (such as structural, functional, and spatial information, amino acid conservation, physicochemical variation, residue mobility, and thermodynamic stability) performed at Invitae indicates that this missense variant is not expected to disrupt MYH6 protein function with a negative predictive value of 80%. In summary, the available evidence is currently insufficient to determine the role of this variant in disease. Therefore, it has been classified as a Variant of Uncertain Significance.